The following is an entry in ClinVar:

ClinVar aggregate classification (germline): Uncertain significance. Review status: criteria provided, multiple submitters, no conflicts (2 of 4 stars). 5 submissions from 5 submitters: Uncertain significance (2). 3 of the submissions do not count toward it. Last evaluated 2023-11-28.

Conditions:
Familial cancer of breast. Also called: Hereditary breast cancer; BREAST CANCER, FAMILIAL; hereditary breast carcinoma. Identifiers: Orphanet 227535, MedGen C0346153, MONDO:0016419, OMIM 114480. Disease mechanism: loss of function.
Ataxia-telangiectasia syndrome (AT). Also called: Ataxia telangiectasia (A-T); Ataxia-telangiectasia, complementation group D; AT, COMPLEMENTATION GROUP C; ATAXIA-TELANGIECTASIA, COMPLEMENTATION GROUP A; Ataxia-telangiectasia, complementation group E; ATAXIA-TELANGIECTASIA, FRESNO VARIANT. Identifiers: Orphanet 100, MedGen C0004135, MONDO:0008840, OMIM 208900.

Allele frequency attached by ClinVar (database versions not stated): gnomAD exomes below 0.00001 and 0.00001; gnomAD 0.00002.
gnomAD v4.1: 8 of 1,613,394 alleles (0.0005%); highest among the groups gnomAD compares: Non-Finnish European, 0.00068%; no homozygotes.

Submissions (5):

Baylor Genetics
Classification: Uncertain significance for Familial cancer of breast. Last evaluated: 2023-11-28. Review status: criteria provided, single submitter. Criteria: ACMG Guidelines, 2015. Collection method: clinical testing. Allele origin: unknown.

Labcorp Genetics (formerly Invitae), Labcorp
Classification: Uncertain significance for Ataxia-telangiectasia syndrome. Last evaluated: 2021-08-27. Review status: criteria provided, single submitter. Criteria: Invitae Variant Classification Sherloc (09022015). Collection method: clinical testing. Allele origin: germline.
Comment: This sequence change replaces isoleucine with threonine at codon 1343 of the ATM protein (p.Ile1343Thr). The isoleucine residue is highly conserved and there is a moderate physicochemical difference between isoleucine and threonine. This variant is not present in population databases (ExAC no frequency). This variant has not been reported in the literature in individuals affected with ATM-related conditions. Algorithms developed to predict the effect of missense changes on protein structure and function (SIFT, PolyPhen-2, Align-GVGD) all suggest that this variant is likely to be disruptive. In summary, the available evidence is currently insufficient to determine the role of this variant in disease. Therefore, it has been classified as a Variant of Uncertain Significance.

Natera, Inc.
Classification: Uncertain significance for Ataxia-telangiectasia. Last evaluated: 2019-10-28. Review status: no assertion criteria provided. Collection method: clinical testing. Allele origin: germline. Not counted in ClinVar's aggregate classification.

Clinical Genetics DNA and cytogenetics Diagnostics Lab, Erasmus MC, Erasmus Medical Center
Classification: Uncertain significance. Review status: no assertion criteria provided. Collection method: clinical testing. Allele origin: germline. Affected: yes. Study: VKGL Data-share Consensus. Not counted in ClinVar's aggregate classification.

Joint Genome Diagnostic Labs from Nijmegen and Maastricht, Radboudumc and MUMC+
Classification: Uncertain significance. Review status: no assertion criteria provided. Collection method: clinical testing. Allele origin: germline. Affected: yes. Study: VKGL Data-share Consensus. Not counted in ClinVar's aggregate classification.

NM_000051.4(ATM):c.4028T>C (p.Ile1343Thr)

Gene: ATM (ATM serine/threonine kinase; plus strand). Cytogenetic location: 11q22.3.
Variant type: single nucleotide variant.
Coding change: c.4028T>C on transcript NM_000051.4 (MANE Select); coding-DNA position 4028, T replaced by C.
Protein change: p.Ile1343Thr; replaces isoleucine 1343 with threonine.
Molecular consequence: missense variant.
Genome position (GRCh38, 1-based): chr11:108,287,634, T>C. VCF-style: chr11-108287634-T-C. GRCh37 (hg19) VCF-style: chr11-108158361-T-C.
Other names: c.4028T>C, p.Ile1343Thr (NM_001351834.2); short protein forms I1343T.
Identifiers: ClinVar variation 567769 (VCV000567769.13), dbSNP rs1309605588, ClinGen allele CA382527693.
Genomic context (GRCh38, chr11:108,287,634, plus strand): 5'-TATATTTTAATTTTGTGCCCTTGCAGATTGATCACTTATTCATTAGTAATTTACCAGAGA[T>C]TGTGGTGGAGTTATTGATGACGTTACATGAGCCAGCAAATTCTAGTGCCAGTCAGAGCAC-3'
Protein context (NP_000042.3, residues 1333-1353): DHLFISNLPE[Ile1343Thr]VVELLMTLHE